The following is an entry in ClinVar:

ClinVar aggregate classification (germline): Benign. Review status: criteria provided, multiple submitters, no conflicts (2 of 4 stars). 7 submissions from 7 submitters: Benign (7). Last evaluated 2026-02-03.

Conditions:
Brain small vessel disease 2A, autosomal dominant. Also called: Porencephaly 2. Identifiers: Orphanet 2940, Orphanet 99810, MedGen C3280970, MONDO:0013773, OMIM 614483.

Allele frequency attached by ClinVar (database versions not stated): 1000 Genomes Project 30x 0.24047; 1000 Genomes Project 0.24681; TOPMed 0.27796; ESP Exome Variant Server 0.28476; gnomAD 0.30311 and 0.30406; gnomAD exomes 0.33127; ExAC 0.33824.
gnomAD v4.1: 586,327 of 1,547,352 alleles (38%); highest among the groups gnomAD compares: Non-Finnish European, 41%; 116,175 homozygotes.

Submissions (7):

Labcorp Genetics (formerly Invitae), Labcorp
Classification: Benign. Last evaluated: 2026-02-03. Review status: criteria provided, single submitter. Criteria: Invitae Variant Classification Sherloc (09022015). Collection method: clinical testing. Allele origin: germline.

Blueprint Genetics
Classification: Benign. Last evaluated: 2024-11-27. Review status: criteria provided, single submitter. Criteria: ACMG Guidelines, 2015. Collection method: clinical testing. Allele origin: germline.

Mayo Clinic Laboratories, Mayo Clinic
Classification: Benign. Last evaluated: 2022-04-26. Review status: criteria provided, single submitter. Criteria: ACMG Guidelines, 2015. Collection method: clinical testing. Allele origin: germline. Observed: 147 variant alleles.

Genome-Nilou Lab
Classification: Benign for Brain small vessel disease 2A, autosomal dominant. Last evaluated: 2021-07-22. Review status: criteria provided, single submitter. Criteria: ACMG Guidelines, 2015. Collection method: clinical testing. Allele origin: germline. Affected: no.

GeneDx
Classification: Benign. Last evaluated: 2018-04-12. Review status: criteria provided, single submitter. Criteria: GeneDx Variant Classification (06012015). Collection method: clinical testing. Allele origin: germline. Affected: yes.
Comment: This variant is considered likely benign or benign based on one or more of the following criteria: it is a conservative change, it occurs at a poorly conserved position in the protein, it is predicted to be benign by multiple in silico algorithms, and/or has population frequency not consistent with disease.

Illumina Laboratory Services, Illumina
Classification: Benign for Brain small vessel disease 2A, autosomal dominant. Last evaluated: 2018-01-13. Review status: criteria provided, single submitter. Criteria: ICSL Variant Classification Criteria 13 December 2019. Collection method: clinical testing. Allele origin: germline.
Comment: This variant was observed in the ICSL laboratory as part of a predisposition screen in an ostensibly healthy population. It had not been previously curated by ICSL or reported in the Human Gene Mutation Database (HGMD: prior to June 1st, 2018), and was therefore a candidate for classification through an automated scoring system. Utilizing variant allele frequency, disease prevalence and penetrance estimates, and inheritance mode, an automated score was calculated to assess if this variant is too frequent to cause the disease. Based on the score and internal cut-off values, a variant classified as benign is not then subjected to further curation. The score for this variant resulted in a classification of benign for this disease.

Breakthrough Genomics
Classification: Benign. Review status: criteria provided, single submitter. Criteria: ACMG Guidelines, 2015. Collection method: not provided. Allele origin: germline. Inheritance: Autosomal dominant inheritance. Affected: yes.

NM_001846.4(COL4A2):c.1179C>T (p.Ile393=)

Gene: COL4A2 (collagen type IV alpha 2 chain; plus strand). Cytogenetic location: 13q34.
Variant type: single nucleotide variant.
Coding change: c.1179C>T on transcript NM_001846.4 (MANE Select); coding-DNA position 1179, C replaced by T.
Protein change: p.Ile393=; no amino-acid change (isoleucine 393 retained).
Molecular consequence: synonymous variant.
Genome position (GRCh38, 1-based): chr13:110,449,779, C>T. VCF-style: chr13-110449779-C-T. GRCh37 (hg19) VCF-style: chr13-111102126-C-T.
Other names: p.Ile393=.
Identifiers: ClinVar variation 311120 (VCV000311120.20), dbSNP rs74941798, ClinGen allele CA7049323.